The following is an entry in ClinVar:

ClinVar aggregate classification (germline): Uncertain significance (1 of 4 stars; one submission).

Allele frequency attached by ClinVar (database versions not stated): ESP Exome Variant Server 0.00008.

Submission:

Labcorp Genetics (formerly Invitae), Labcorp
Classification: Uncertain significance. Last evaluated: 2023-05-16. Review status: criteria provided, single submitter. Criteria: Invitae Variant Classification Sherloc (09022015). Collection method: clinical testing. Allele origin: germline.
Comment: Experimental studies and prediction algorithms are not available or were not evaluated, and the functional significance of this variant is currently unknown. In summary, the available evidence is currently insufficient to determine the role of this variant in disease. Therefore, it has been classified as a Variant of Uncertain Significance. This variant has not been reported in the literature in individuals affected with TOPORS-related conditions. This sequence change replaces arginine, which is basic and polar, with glycine, which is neutral and non-polar, at codon 673 of the TOPORS protein (p.Arg673Gly). This variant is present in population databases (rs140126403, gnomAD 0.007%).

NM_005802.5(TOPORS):c.2017C>G (p.Arg673Gly)

Gene: TOPORS (TOP1 binding arginine/serine rich protein, E3 ubiquitin ligase; minus strand). Cytogenetic location: 9p21.1.
Variant type: single nucleotide variant.
Coding change: c.2017C>G on transcript NM_005802.5 (MANE Select); coding-DNA position 2017, C replaced by G.
Protein change: p.Arg673Gly; replaces arginine 673 with glycine.
Molecular consequence: missense variant.
Genome position (GRCh38, 1-based): chr9:32,542,508, G>C on the plus strand (C>G on the coding strand, the complement: TOPORS is on the minus strand). VCF-style: chr9-32542508-G-C. GRCh37 (hg19) VCF-style: chr9-32542506-G-C.
Other names: c.1822C>G, p.Arg608Gly (NM_001195622.2); short protein forms R673G, R608G.
Identifiers: ClinVar variation 3009795 (VCV003009795.3), dbSNP rs140126403, ClinGen allele CA5020430.